The following is an entry in ClinVar:

NM_014845.6(FIG4):c.1206C>T (p.Asn402=)

Gene: FIG4 (FIG4 phosphoinositide 5-phosphatase; plus strand). Cytogenetic location: 6q21.
Variant type: single nucleotide variant.
Coding change: c.1206C>T on transcript NM_014845.6 (MANE Select); coding-DNA position 1206, C replaced by T.
Protein change: p.Asn402=; no amino-acid change (asparagine 402 retained).
Molecular consequence: synonymous variant.
Genome position (GRCh38, 1-based): chr6:109,760,318, C>T. VCF-style: chr6-109760318-C-T. GRCh37 (hg19) VCF-style: chr6-110081521-C-T.
Identifiers: ClinVar variation 4535401 (VCV004535401.6).

ClinVar aggregate classification (germline): Likely benign (1 of 4 stars; one submission).

gnomAD v4.1: 8 of 1,612,936 alleles (0.0005%); highest among the groups gnomAD compares: East Asian, 0.0022%; no homozygotes.

Submission:

CeGaT Center for Human Genetics Tuebingen
Classification: Likely benign. Last evaluated: 2025-11-01. Review status: criteria provided, single submitter. Criteria: CeGaT Center For Human Genetics Tuebingen Variant Classification Criteria Version 2. Collection method: clinical testing. Allele origin: germline. Affected: yes. Observed: 1 variant allele.
Comment: FIG4: BP4, BP7